The following is an entry in ClinVar:

ClinVar aggregate classification (germline): Uncertain significance. Review status: criteria provided, multiple submitters, no conflicts (2 of 4 stars). 2 submissions from 2 submitters: Uncertain significance (2). Last evaluated 2025-04-10.

Conditions:
Inborn genetic diseases. Identifiers: MedGen C0950123, MeSH D030342.

Allele frequency attached by ClinVar (database versions not stated): ExAC 0.00003.
gnomAD v4.1: 16 of 1,605,602 alleles (0.001%); highest among the groups gnomAD compares: Middle Eastern, 0.016%; no homozygotes.

Submissions (2):

Ambry Genetics
Classification: Uncertain significance for Inborn genetic diseases. Last evaluated: 2025-04-10. Review status: criteria provided, single submitter. Criteria: Ambry Variant Classification Scheme 2023. Collection method: clinical testing. Allele origin: germline.

Labcorp Genetics (formerly Invitae), Labcorp
Classification: Uncertain significance. Last evaluated: 2020-11-27. Review status: criteria provided, single submitter. Criteria: Invitae Variant Classification Sherloc (09022015). Collection method: clinical testing. Allele origin: germline.
Comment: In summary, the available evidence is currently insufficient to determine the role of this variant in disease. Therefore, it has been classified as a Variant of Uncertain Significance. Algorithms developed to predict the effect of missense changes on protein structure and function are either unavailable or do not agree on the potential impact of this missense change (SIFT: "Deleterious"; PolyPhen-2: "Possibly Damaging"; Align-GVGD: "Class C0"). This variant has not been reported in the literature in individuals with CUL7-related conditions. This variant is present in population databases (rs758991893, ExAC 0.005%). This sequence change replaces arginine with serine at codon 6 of the CUL7 protein (p.Arg6Ser). The arginine residue is highly conserved and there is a moderate physicochemical difference between arginine and serine.

NM_014780.5(CUL7):c.16C>A (p.Arg6Ser)

Gene: CUL7 (cullin 7; minus strand). Cytogenetic location: 6p21.1.
Variant type: single nucleotide variant.
Coding change: c.16C>A on transcript NM_014780.5 (MANE Select); coding-DNA position 16, C replaced by A.
Protein change: p.Arg6Ser; replaces arginine 6 with serine.
Molecular consequence: missense variant.
Genome position (GRCh38, 1-based): chr6:43,052,773, G>T on the plus strand (C>A on the coding strand, the complement: CUL7 is on the minus strand). VCF-style: chr6-43052773-G-T. GRCh37 (hg19) VCF-style: chr6-43020511-G-T.
Other names: c.16C>A, p.Arg6Ser (NM_001168370.2, NM_001374872.1, NM_001374873.1 and 1 more transcripts); c.16C>A (NM_014780.4); short protein forms R6S.
Identifiers: ClinVar variation 1353257 (VCV001353257.8), dbSNP rs758991893, ClinGen allele CA3814470.